The following is an entry in ClinVar:

NM_145331.3(MAP3K7):c.1004T>G (p.Met335Arg)

Gene: MAP3K7 (mitogen-activated protein kinase kinase kinase 7; minus strand). Cytogenetic location: 6q15.
Variant type: single nucleotide variant.
Coding change: c.1004T>G on transcript NM_145331.3 (MANE Select); coding-DNA position 1004, T replaced by G.
Protein change: p.Met335Arg; replaces methionine 335 with arginine.
Molecular consequence: missense variant.
Genome position (GRCh38, 1-based): chr6:90,548,123, A>C on the plus strand (T>G on the coding strand, the complement: MAP3K7 is on the minus strand). VCF-style: chr6-90548123-A-C. GRCh37 (hg19) VCF-style: chr6-91257842-A-C.
Other names: c.1004T>G, p.Met335Arg (NM_003188.4, NM_145332.3, NM_145333.3); short protein forms M335R.
Identifiers: ClinVar variation 2795794 (VCV002795794.3), dbSNP rs1582197017, ClinGen allele CA365010215.

ClinVar aggregate classification (germline): Uncertain significance (1 of 4 stars; one submission).

Submission:

Labcorp Genetics (formerly Invitae), Labcorp
Classification: Uncertain significance. Last evaluated: 2025-10-03. Review status: criteria provided, single submitter. Criteria: Invitae Variant Classification Sherloc (09022015). Collection method: clinical testing. Allele origin: germline.
Comment: This sequence change replaces methionine, which is neutral and non-polar, with arginine, which is basic and polar, at codon 335 of the MAP3K7 protein (p.Met335Arg). This variant is not present in population databases (gnomAD no frequency). This variant has not been reported in the literature in individuals affected with MAP3K7-related conditions. ClinVar contains an entry for this variant (Variation ID: 2795794). An algorithm developed to predict the effect of missense changes on protein structure and function (PolyPhen-2) suggests that this variant is likely to be tolerated. In summary, the available evidence is currently insufficient to determine the role of this variant in disease. Therefore, it has been classified as a Variant of Uncertain Significance.